The following is an entry in ClinVar:

NM_001130823.3(DNMT1):c.3157G>A (p.Ala1053Thr)

Gene: DNMT1 (DNA methyltransferase 1; minus strand). Cytogenetic location: 19p13.2.
Variant type: single nucleotide variant.
Coding change: c.3157G>A on transcript NM_001130823.3 (MANE Select); coding-DNA position 3157, G replaced by A.
Protein change: p.Ala1053Thr; replaces alanine 1053 with threonine.
Molecular consequence: missense variant.
Genome position (GRCh38, 1-based): chr19:10,142,180, C>T on the plus strand (G>A on the coding strand, the complement: DNMT1 is on the minus strand). VCF-style: chr19-10142180-C-T. GRCh37 (hg19) VCF-style: chr19-10252856-C-T.
Other names: c.3109G>A, p.Ala1037Thr (NM_001318730.2, NM_001379.4); c.2794G>A, p.Ala932Thr (NM_001318731.2); c.3157G>A (NM_001130823.2); short protein forms A1037T, A1053T, A932T.
Identifiers: ClinVar variation 1254310 (VCV001254310.8), dbSNP rs370786558, ClinGen allele CA9187827.
Genomic context (GRCh38, chr19:10,142,180, plus strand): 5'-GCACAGCCTTGAAGTCCACCACGGCCTCCTCGTCGCTCCAGTAGAGCAGGTTGATGTCTG[C>T]GTGGTAGCTCGCTGGAGTGGACTTGTGGGTGTTCTCAGGCCTGCGAGCGGGAGAGGCCTC-3'
Protein context (NP_001124295.1, residues 1043-1063): THKSTPASYH[Ala1053Thr]DINLLYWSDE

ClinVar aggregate classification (germline): Uncertain significance. Review status: criteria provided, multiple submitters, no conflicts (2 of 4 stars). 4 submissions from 4 submitters: Uncertain significance (4). Last evaluated 2026-04-25.

Conditions:
DNMT1-related disorder. Also called: DNMT1-related condition. Identifiers: MedGen CN381527.
Autosomal dominant cerebellar ataxia, deafness and narcolepsy. Also called: Autosomal Dominant Cerebellar Ataxia, Deafness, and Narcolepsy (ADCA-DN). Identifiers: Orphanet 314404, MedGen C4302668, MONDO:0011397, OMIM 604121.
Hereditary sensory neuropathy-deafness-dementia syndrome. Also called: HSN IE; NEUROPATHY, HEREDITARY SENSORY, WITH HEARING LOSS AND DEMENTIA; Hereditary Sensory and Autonomic Neuropathy Type 1E (HSAN1E); Hereditary sensory neuropathy type IE. Identifiers: Orphanet 456318, MedGen C3279885, MONDO:0013584, OMIM 614116.

Allele frequency attached by ClinVar (database versions not stated): gnomAD exomes 0.00001 and 0.00002; ExAC 0.00002; TOPMed 0.00002; gnomAD 0.00004; ESP Exome Variant Server 0.00008.
gnomAD v4.1: 24 of 1,613,892 alleles (0.0015%); highest among the groups gnomAD compares: African/African-American, 0.0067%; no homozygotes.

Submissions (4):

PreventionGenetics, part of Exact Sciences
Classification: Uncertain significance for DNMT1-related condition. Last evaluated: 2026-04-25. Review status: criteria provided, single submitter. Criteria: ACMG Guidelines, 2015. Collection method: clinical testing. Allele origin: germline.
Comment: The DNMT1 c.3157G>A variant is predicted to result in the amino acid substitution p.Ala1053Thr. To our knowledge, this variant has not been reported in the literature. This variant is reported in 0.0062% of alleles in individuals of African descent in gnomAD. At this time, the clinical significance of this variant is uncertain due to the absence of conclusive functional and genetic evidence.

Labcorp Genetics (formerly Invitae), Labcorp
Classification: Uncertain significance for Hereditary sensory neuropathy-deafness-dementia syndrome. Last evaluated: 2023-07-13. Review status: criteria provided, single submitter. Criteria: Invitae Variant Classification Sherloc (09022015). Collection method: clinical testing. Allele origin: germline.
Comment: This sequence change replaces alanine, which is neutral and non-polar, with threonine, which is neutral and polar, at codon 1053 of the DNMT1 protein (p.Ala1053Thr). This variant is present in population databases (rs370786558, gnomAD 0.006%). This variant has not been reported in the literature in individuals affected with DNMT1-related conditions. ClinVar contains an entry for this variant (Variation ID: 1254310). Advanced modeling of protein sequence and biophysical properties (such as structural, functional, and spatial information, amino acid conservation, physicochemical variation, residue mobility, and thermodynamic stability) performed at Invitae indicates that this missense variant is not expected to disrupt DNMT1 protein function. In summary, the available evidence is currently insufficient to determine the role of this variant in disease. Therefore, it has been classified as a Variant of Uncertain Significance.

GeneDx
Classification: Uncertain significance. Last evaluated: 2022-02-08. Review status: criteria provided, single submitter. Criteria: GeneDx Variant Classification Process June 2021. Collection method: clinical testing. Allele origin: germline. Affected: yes.
Comment: In silico analysis, which includes protein predictors and evolutionary conservation, supports that this variant does not alter protein structure/function; Has not been previously published as pathogenic or benign to our knowledge

Fulgent Genetics
Classification: Uncertain significance for Autosomal dominant cerebellar ataxia, deafness and narcolepsy; Hereditary sensory neuropathy-deafness-dementia syndrome. Last evaluated: 2021-10-01. Review status: criteria provided, single submitter. Criteria: ACMG Guidelines, 2015. Collection method: clinical testing. Allele origin: unknown.